The following is an entry in ClinVar:

ClinVar aggregate classification (germline): Uncertain significance. Review status: criteria provided, multiple submitters, no conflicts (2 of 4 stars). 2 submissions from 2 submitters: Uncertain significance (2). Last evaluated 2025-06-06.

Allele frequency attached by ClinVar (database versions not stated): gnomAD 0.00017 and 0.00018; TOPMed 0.00019; 1000 Genomes Project 0.00040; 1000 Genomes Project 30x 0.00047.
gnomAD v4.1: 44 of 1,612,602 alleles (0.0027%); highest among the groups gnomAD compares: African/African-American, 0.045%; no homozygotes.

Submissions (2):

Labcorp Genetics (formerly Invitae), Labcorp
Classification: Uncertain significance. Last evaluated: 2025-06-06. Review status: criteria provided, single submitter. Criteria: Invitae Variant Classification Sherloc (09022015). Collection method: clinical testing. Allele origin: germline.
Comment: This sequence change replaces arginine, which is basic and polar, with glycine, which is neutral and non-polar, at codon 290 of the RIMS1 protein (p.Arg290Gly). This variant is present in population databases (rs200278023, gnomAD 0.03%). This variant has not been reported in the literature in individuals affected with RIMS1-related conditions. ClinVar contains an entry for this variant (Variation ID: 1438042). An algorithm developed to predict the effect of missense changes on protein structure and function (PolyPhen-2) suggests that this variant is likely to be disruptive. In summary, the available evidence is currently insufficient to determine the role of this variant in disease. Therefore, it has been classified as a Variant of Uncertain Significance.

Blueprint Genetics
Classification: Uncertain significance. Last evaluated: 2019-02-27. Review status: criteria provided, single submitter. Criteria: ACMG Guidelines, 2015. Collection method: clinical testing. Allele origin: germline.

NM_014989.7(RIMS1):c.868C>G (p.Arg290Gly)

Gene: RIMS1 (regulating synaptic membrane exocytosis 1; plus strand). Cytogenetic location: 6q13.
Variant type: single nucleotide variant.
Coding change: c.868C>G on transcript NM_014989.7 (MANE Select); coding-DNA position 868, C replaced by G.
Protein change: p.Arg290Gly; replaces arginine 290 with glycine.
Molecular consequence: missense variant.
Genome position (GRCh38, 1-based): chr6:72,182,339, C>G. VCF-style: chr6-72182339-C-G. GRCh37 (hg19) VCF-style: chr6-72892042-C-G.
Other names: short protein forms R290G.
Identifiers: ClinVar variation 1438042 (VCV001438042.7), dbSNP rs200278023, ClinGen allele CA3885607.
Genomic context (GRCh38, chr6:72,182,339, plus strand): 5'-CATAGAAAGAAGACCCCAGGGCTTTCCGAGCAGAATGGCAAAGGAGCCCTGAAGAGCGAG[C>G]GGAAACGCGTGCCAAAGACCTCAGCGCAGCCCGTGGAGGGGGCCGTCGAAGAACGGGAGC-3'
Protein context (NP_055804.2, residues 280-300): QNGKGALKSE[Arg290Gly]KRVPKTSAQP